The following is an entry in ClinVar:

ClinVar aggregate classification (germline): Likely pathogenic (1 of 4 stars; one submission).

Conditions:
Developmental delay with hypotonia, myopathy, and brain abnormalities (DEDHMB). Identifiers: MedGen C5830270, MONDO:0859375, OMIM 620240.

gnomAD v4.1: 5 of 1,613,402 alleles (0.00031%); highest among the groups gnomAD compares: South Asian, 0.0055%; no homozygotes.

Submission:

First Genomix Gene Laboratory, Genetic Diagnostics Department
Classification: Likely pathogenic for Developmental delay with hypotonia, myopathy, and brain abnormalities. Last evaluated: 2025-03-21. Review status: criteria provided, single submitter. Criteria: ACMG Guidelines, 2015. Collection method: clinical testing. Allele origin: germline. Inheritance: Autosomal recessive inheritance. Affected: no. Observed: 1 variant allele.

NM_001366244.2(GOLGA2):c.1495C>T (p.Leu499=)

Gene: GOLGA2 (golgin A2; minus strand). Cytogenetic location: 9q34.11.
Variant type: single nucleotide variant.
Coding change: c.1495C>T on transcript NM_001366244.2 (MANE Select); coding-DNA position 1495, C replaced by T.
Protein change: p.Leu499=; no amino-acid change (leucine 499 retained).
Molecular consequence: synonymous variant.
Genome position (GRCh38, 1-based): chr9:128,260,728, G>A on the plus strand (C>T on the coding strand, the complement: GOLGA2 is on the minus strand). VCF-style: chr9-128260728-G-A. GRCh37 (hg19) VCF-style: chr9-131023007-G-A.
Other names: c.1414C>T, p.Leu472= (NM_001366246.2, NM_004486.6); c.1480C>T, p.Leu494= (NM_001389695.2); c.1477C>T, p.Leu493= (NM_001389696.2); c.1402C>T, p.Leu468= (NM_001389697.2); c.1396C>T, p.Leu466= (NM_001389698.2); c.1375C>T, p.Leu459= (NM_001389699.2, NM_001389700.2); c.1333C>T, p.Leu445= (NM_001389701.2); c.1309C>T, p.Leu437= (NM_001389702.2); and 3 more.
Identifiers: ClinVar variation 4845782 (VCV004845782.1).